The following is an entry in ClinVar:

NM_017433.5(MYO3A):c.1463G>A (p.Gly488Glu)

Gene: MYO3A (myosin IIIA; plus strand). Cytogenetic location: 10p12.1.
Variant type: single nucleotide variant.
Coding change: c.1463G>A on transcript NM_017433.5 (MANE Select); coding-DNA position 1463, G replaced by A.
Protein change: p.Gly488Glu; replaces glycine 488 with glutamic acid.
Molecular consequence: missense variant.
Genome position (GRCh38, 1-based): chr10:26,088,306, G>A. VCF-style: chr10-26088306-G-A. GRCh37 (hg19) VCF-style: chr10-26377235-G-A.
Other names: short protein forms G488E.
Identifiers: ClinVar variation 1324767 (VCV001324767.11), dbSNP rs145970949, ClinGen allele CA5444675.

ClinVar aggregate classification (germline): Conflicting classifications of pathogenicity. Review status: criteria provided, conflicting classifications (1 of 4 stars). 5 submissions from 5 submitters: Pathogenic (1); Likely pathogenic (1); Uncertain significance (3). Last evaluated 2026-03-08.

Conditions:
Autosomal recessive nonsyndromic hearing loss 30. Identifiers: Orphanet 90636, MedGen C1846784, MONDO:0011774, OMIM 607101.
Hearing loss, autosomal dominant 90. Also called: Deafness, autosomal dominant 90. Identifiers: MedGen C5935579, MONDO:0958232, OMIM 620722.
MYO3A-related disorder. Also called: MYO3A-related condition.

Allele frequency attached by ClinVar (database versions not stated): gnomAD exomes 0.00006; ExAC 0.00007; ESP Exome Variant Server 0.00015; TOPMed 0.00019; gnomAD 0.00021 and 0.00022; 1000 Genomes Project 30x 0.00031; 1000 Genomes Project 0.00040.
gnomAD v4.1: 53 of 1,613,786 alleles (0.0033%); highest among the groups gnomAD compares: African/African-American, 0.063%; no homozygotes.

Submissions (5):

PreventionGenetics, part of Exact Sciences
Classification: Uncertain significance for MYO3A-related condition. Last evaluated: 2026-03-08. Review status: criteria provided, single submitter. Criteria: ACMG Guidelines, 2015. Collection method: clinical testing. Allele origin: germline.
Comment: The MYO3A c.1463G>A variant is predicted to result in the amino acid substitution p.Gly488Glu. This variant was reported in the heterozygous state in a father and three children with non-syndromic hearing loss with an in vitro assay finding it impacts protein function (Grati et al. 2016. PubMed ID: 26841241). This variant is reported in 0.064% of alleles in individuals of African descent in gnomAD, including more than 50 heterozygotes in the larger gnomAD v4.1.0 database. At this time, the clinical significance of this variant is uncertain due to the absence of conclusive functional and genetic evidence.

Labcorp Genetics (formerly Invitae), Labcorp
Classification: Uncertain significance. Last evaluated: 2026-01-16. Review status: criteria provided, single submitter. Criteria: Invitae Variant Classification Sherloc (09022015). Collection method: clinical testing. Allele origin: germline.
Comment: This sequence change replaces glycine, which is neutral and non-polar, with glutamic acid, which is acidic and polar, at codon 488 of the MYO3A protein (p.Gly488Glu). This variant is present in population databases (rs145970949, gnomAD 0.06%). This missense change has been observed in individual(s) with autosomal dominant deafness (PMID: 26841241). ClinVar contains an entry for this variant (Variation ID: 1324767). Invitae Evidence Modeling of protein sequence and biophysical properties (such as structural, functional, and spatial information, amino acid conservation, physicochemical variation, residue mobility, and thermodynamic stability) indicates that this missense variant is expected to disrupt MYO3A protein function with a positive predictive value of 80%. Experimental studies have shown that this missense change affects MYO3A function (PMID: 26841241). In summary, the available evidence is currently insufficient to determine the role of this variant in disease. Therefore, it has been classified as a Variant of Uncertain Significance.

Laboratory of Prof. Karen Avraham, Tel Aviv University
Classification: Pathogenic for Hearing loss, autosomal dominant 90. Last evaluated: 2024-06-03. Review status: criteria provided, single submitter. Criteria: ACMG Guidelines, 2015. Collection method: research. Allele origin: germline. Affected: yes. Observed: 1 variant allele.
Comment: Patogenic by Deafness Variation Database according to PMID:26841241

DFNA90; sloping mild-severe HL

Revvity Omics, Revvity
Classification: Likely pathogenic for Autosomal recessive nonsyndromic hearing loss 30. Last evaluated: 2020-07-10. Review status: criteria provided, single submitter. Criteria: ACMG Guidelines, 2015. Collection method: clinical testing. Allele origin: germline.

Blueprint Genetics
Classification: Uncertain significance. Last evaluated: 2019-08-30. Review status: criteria provided, single submitter. Criteria: ACMG Guidelines, 2015. Collection method: clinical testing. Allele origin: germline.

Literature cited by the submitters: PubMed 26841241 (cited by Labcorp Genetics (formerly Invitae), Labcorp).